The following is an entry in ClinVar:

ClinVar aggregate classification (germline): Pathogenic (1 of 4 stars; one submission).

Conditions:
Ciliopathy. Also called: Ciliopathies. Identifiers: Orphanet 363250, MedGen C4277690, MONDO:0005308, MeSH D000072661.

Submission:

Myriad Genetics, Inc.
Classification: Pathogenic for Ciliopathy. Last evaluated: 2025-11-23. Review status: criteria provided, single submitter. Criteria: Myriad Autosomal Dominant, Autosomal Recessive and X-Linked Classification Criteria (2023). Collection method: clinical testing. Allele origin: unknown.
Comment: NM_017777.3(MKS1):c.1278_1282del5(H427Pfs*16) is expected to be pathogenic in the context of MKS1-related disorders. This variant is predicted to lead to an abnormal or absent protein product due to the creation of a premature termination codon in MKS1, a gene where loss-of-function variants are known to be pathogenic. Please note: this variant was assessed in the context of healthy population screening.

NM_017777.4(MKS1):c.1278_1282del (p.His427fs)

Gene: MKS1 (MKS transition zone complex subunit 1; minus strand). Cytogenetic location: 17q22.
Variant type: Deletion.
Coding change: c.1278_1282del on transcript NM_017777.4 (MANE Select); coding-DNA positions 1278 to 1282, 5 bases deleted (ACACA; older notation c.1278_1282delACACA).
Protein change: p.His427fs; shifts the reading frame from histidine 427.
Molecular consequence: frameshift variant. On other transcripts: intron variant (1).
Genome position (GRCh38, 1-based): chr17:58,207,210-58,207,214, TGTGT deleted on the plus strand (ACACA on the coding strand, the reverse complement: MKS1 is on the minus strand). VCF-style (leftmost placement, unchanged base first): chr17-58207209-GTGTGT-G. GRCh37 (hg19) VCF-style: chr17-56284570-GTGTGT-G.
Other names: c.669_673del, p.His224fs (NM_001321268.2); c.1278_1282del, p.His427fs (NM_001321269.2); c.1273+680_1273+684del (NM_001330397.2); short protein forms H224fs, H427fs.
Identifiers: ClinVar variation 5015256 (VCV005015256.1).